The following is an entry in ClinVar:

ClinVar aggregate classification (germline): Uncertain significance (1 of 4 stars; one submission).

Allele frequency attached by ClinVar (database versions not stated): gnomAD exomes below 0.00001.
gnomAD v4.1: 6 of 1,593,680 alleles (0.00038%); highest among the groups gnomAD compares: African/African-American, 0.0014%; no homozygotes.

Submission:

Labcorp Genetics (formerly Invitae), Labcorp
Classification: Uncertain significance. Last evaluated: 2022-01-11. Review status: criteria provided, single submitter. Criteria: Invitae Variant Classification Sherloc (09022015). Collection method: clinical testing. Allele origin: germline.
Comment: In summary, the available evidence is currently insufficient to determine the role of this variant in disease. Therefore, it has been classified as a Variant of Uncertain Significance. Algorithms developed to predict the effect of missense changes on protein structure and function output the following: SIFT: "Tolerated"; PolyPhen-2: "Benign"; Align-GVGD: "Class C0". The serine amino acid residue is found in multiple mammalian species, which suggests that this missense change does not adversely affect protein function. This variant has not been reported in the literature in individuals affected with NUP205-related conditions. This variant is not present in population databases (gnomAD no frequency). This sequence change replaces proline, which is neutral and non-polar, with serine, which is neutral and polar, at codon 344 of the NUP205 protein (p.Pro344Ser).

NM_015135.3(NUP205):c.1030C>T (p.Pro344Ser)

Gene: NUP205 (nucleoporin 205; plus strand). Cytogenetic location: 7q33.
Variant type: single nucleotide variant.
Coding change: c.1030C>T on transcript NM_015135.3 (MANE Select); coding-DNA position 1030, C replaced by T.
Protein change: p.Pro344Ser; replaces proline 344 with serine.
Molecular consequence: missense variant. On other transcripts: 5 prime UTR variant (1).
Genome position (GRCh38, 1-based): chr7:135,578,903, C>T. VCF-style: chr7-135578903-C-T. GRCh37 (hg19) VCF-style: chr7-135263651-C-T.
Other names: c.-56C>T (NM_001329434.2); short protein forms P344S.
Identifiers: ClinVar variation 1990072 (VCV001990072.4), dbSNP rs2486107265, ClinGen allele CA369352720.